The following is an entry in ClinVar:

ClinVar aggregate classification (germline): Likely pathogenic. Review status: criteria provided, multiple submitters, no conflicts (2 of 4 stars). 2 submissions from 2 submitters: Likely pathogenic (2). Last evaluated 2024-04-02.

Conditions:
Galloway-Mowat syndrome 1 (GAMOS1). Identifiers: Orphanet 2065, Orphanet 83472, MedGen C4551772, MONDO:0033005, OMIM 251300.

Submissions (2):

Fulgent Genetics
Classification: Likely pathogenic for Galloway-Mowat syndrome 1. Last evaluated: 2024-04-02. Review status: criteria provided, single submitter. Criteria: ACMG Guidelines, 2015. Collection method: clinical testing. Allele origin: germline.

Dasa
Classification: Likely pathogenic for Galloway-Mowat syndrome 1. Last evaluated: 2022-03-05. Review status: criteria provided, single submitter. Criteria: ACMG Guidelines, 2015. Collection method: clinical testing. Allele origin: germline. Affected: yes. Observed: 1 variant allele.
Comment: The c.1096_1097del;p.(Leu366Alafs*23) is a null frameshift variant (NMD) in the WDR73 gene and predicts alteration of the nonsense-mediate decay - NMD is present in a relevant exon to the transcript - PVS1_strong. This variant is not present in population databases (rs768820873- gnomAD; ABraOM no frequency.) - PM2. In summary, the currently available evidence indicates that the variant is likely pathogenic.

NM_032856.5(WDR73):c.1096_1097del (p.Leu366fs)

Gene: WDR73 (WD repeat domain 73; minus strand). Cytogenetic location: 15q25.2.
Variant type: Microsatellite.
Coding change: c.1096_1097del on transcript NM_032856.5 (MANE Select); coding-DNA positions 1096 to 1097, 2 bases deleted (CT; older notation c.1096_1097delCT).
Protein change: p.Leu366fs; shifts the reading frame from leucine 366.
Molecular consequence: frameshift variant. On other transcripts: non-coding transcript variant (4).
Genome position (GRCh38, 1-based): chr15:84,643,510-84,643,511, AG deleted on the plus strand (CT on the coding strand, the reverse complement: WDR73 is on the minus strand); deleting any 2 consecutive bases within chr15:84,643,510-84,643,515 gives the same sequence; the c. name uses the placement nearest the transcript's 3' end. VCF-style (leftmost placement, unchanged base first): chr15-84643509-CAG-C. GRCh37 (hg19) VCF-style: chr15-85186740-CAG-C.
Other names: short protein forms L366fs.
Identifiers: ClinVar variation 1344892 (VCV001344892.5), dbSNP rs768820873, ClinGen allele CA7707142.